The following is an entry in ClinVar:

ClinVar aggregate classification (germline): Conflicting classifications of pathogenicity. Review status: criteria provided, conflicting classifications (1 of 4 stars). 4 submissions from 4 submitters: Uncertain significance (1); Benign (2); Likely benign (1). Last evaluated 2026-01-12.

Conditions:
Diaphanospondylodysostosis. Also called: VERTEBRAL OSSIFICATION, DEFECT IN, WITH NEPHROGENIC RESTS. Identifiers: Orphanet 66637, MedGen C1842691, MONDO:0011946, OMIM 608022.

Allele frequency attached by ClinVar (database versions not stated): 1000 Genomes Project 0.00040; 1000 Genomes Project 30x 0.00047; TOPMed 0.00123; gnomAD 0.00127 and 0.00131; ESP Exome Variant Server 0.00146; gnomAD exomes 0.00153 and 0.00162; ExAC 0.00157.
gnomAD v4.1: 2,574 of 1,614,062 alleles (0.16%); highest among the groups gnomAD compares: Middle Eastern, 0.76%; 6 homozygotes.

Submissions (4):

Labcorp Genetics (formerly Invitae), Labcorp
Classification: Benign. Last evaluated: 2026-01-12. Review status: criteria provided, single submitter. Criteria: Invitae Variant Classification Sherloc (09022015). Collection method: clinical testing. Allele origin: germline.

CeGaT Center for Human Genetics Tuebingen
Classification: Likely benign. Last evaluated: 2025-07-01. Review status: criteria provided, single submitter. Criteria: CeGaT Center For Human Genetics Tuebingen Variant Classification Criteria Version 2. Collection method: clinical testing. Allele origin: germline. Affected: yes. Observed: 2 variant alleles.
Comment: BMPER: BP4, BP7

Blueprint Genetics
Classification: Benign. Last evaluated: 2024-11-27. Review status: criteria provided, single submitter. Criteria: ACMG Guidelines, 2015. Collection method: clinical testing. Allele origin: germline.

Illumina Laboratory Services, Illumina
Classification: Uncertain significance for Diaphanospondylodysostosis. Last evaluated: 2018-01-12. Review status: criteria provided, single submitter. Criteria: ICSL Variant Classification Criteria 13 December 2019. Collection method: clinical testing. Allele origin: germline.

NM_001365308.1(BMPER):c.1974G>A (p.Pro658=)

Gene: BMPER (BMP binding endothelial regulator; plus strand). Cytogenetic location: 7p14.3.
Variant type: single nucleotide variant.
Coding change: c.1974G>A on transcript NM_001365308.1 (MANE Select); coding-DNA position 1974, G replaced by A.
Protein change: p.Pro658=; no amino-acid change (proline 658 retained).
Molecular consequence: synonymous variant.
Genome position (GRCh38, 1-based): chr7:34,153,189, G>A. VCF-style: chr7-34153189-G-A. GRCh37 (hg19) VCF-style: chr7-34192801-G-A.
Other names: c.1974G>A, p.Pro658= (NM_133468.5).
Identifiers: ClinVar variation 791539 (VCV000791539.38), dbSNP rs140264933, ClinGen allele CA4215583.
Genomic context (GRCh38, chr7:34,153,189, plus strand): 5'-TGGTCCGGGATGTATCAAGACGTGTGACAACTGGAATGAAATTGGTCCATGCAACAAGCC[G>A]TGCGTTGCTGGGTGCCACTGTCCAGCAAACTTGGTCCTTCACAAGGGAAGGTGCATCAAG-3'
Protein context (NP_001352237.1, residues 648-668): NWNEIGPCNK[Pro658=]CVAGCHCPAN